The following is an entry in ClinVar:

ClinVar aggregate classification (germline): Pathogenic/Likely pathogenic. Review status: criteria provided, multiple submitters, no conflicts (2 of 4 stars). 2 submissions from 2 submitters: Pathogenic (1); Likely pathogenic (1). Last evaluated 2023-11-13.

Submissions (2):

Labcorp Genetics (formerly Invitae), Labcorp
Classification: Pathogenic. Last evaluated: 2023-11-13. Review status: criteria provided, single submitter. Criteria: Invitae Variant Classification Sherloc (09022015). Collection method: clinical testing. Allele origin: germline.
Comment: This sequence change creates a premature translational stop signal (p.Gln521*) in the SLC4A1 gene. It is expected to result in an absent or disrupted protein product. Loss-of-function variants in SLC4A1 are known to be pathogenic (PMID: 8943874, 10926824, 23255290). This variant is not present in population databases (gnomAD no frequency). This variant has not been reported in the literature in individuals affected with SLC4A1-related conditions. ClinVar contains an entry for this variant (Variation ID: 1163109). For these reasons, this variant has been classified as Pathogenic.

Mayo Clinic Laboratories, Mayo Clinic
Classification: Likely pathogenic. Last evaluated: 2021-01-12. Review status: criteria provided, single submitter. Criteria: ACMG Guidelines, 2015. Collection method: clinical testing. Allele origin: germline. Observed: 1 variant allele.
Comment: PVS1, PM2

Literature cited by the submitters: PubMed 8943874 (cited by Labcorp Genetics (formerly Invitae), Labcorp); PubMed 10926824 (cited by Labcorp Genetics (formerly Invitae), Labcorp); PubMed 23255290 (cited by Labcorp Genetics (formerly Invitae), Labcorp).

NM_000342.4(SLC4A1):c.1561C>T (p.Gln521Ter)

Gene: SLC4A1 (solute carrier family 4 member 1 (Diego blood group); minus strand). Cytogenetic location: 17q21.31.
Variant type: single nucleotide variant.
Coding change: c.1561C>T on transcript NM_000342.4 (MANE Select); coding-DNA position 1561, C replaced by T.
Protein change: p.Gln521Ter; replaces glutamine 521 with a stop codon.
Molecular consequence: nonsense.
Genome position (GRCh38, 1-based): chr17:44,257,415, G>A on the plus strand (C>T on the coding strand, the complement: SLC4A1 is on the minus strand). VCF-style: chr17-44257415-G-A. GRCh37 (hg19) VCF-style: chr17-42334783-G-A.
Other names: short protein forms Q521*.
Identifiers: ClinVar variation 1163109 (VCV001163109.8), dbSNP rs2144612096, ClinGen allele CA399785361.
Genomic context (GRCh38, chr17:44,257,415, plus strand): 5'-TCAGCTTGGAGAAAGTCTCATAGATGAAGATGAGGGAAATGAGGAAGGAGAAGATCTCCT[G>A]GGTATAGCGGGAGATGAAGCGGACCAGGAAGCTACCCTCGAAGGCCACCACCAACACCAC-3'